The following is an entry in ClinVar:

NM_005861.4(STUB1):c.111C>G (p.Phe37Leu)

Gene: STUB1 (STIP1 homology and U-box containing protein 1; plus strand). Cytogenetic location: 16p13.3.
Variant type: single nucleotide variant.
Coding change: c.111C>G on transcript NM_005861.4 (MANE Select); coding-DNA position 111, C replaced by G.
Protein change: p.Phe37Leu; replaces phenylalanine 37 with leucine.
Molecular consequence: missense variant. On other transcripts: 5 prime UTR variant (1).
Genome position (GRCh38, 1-based): chr16:680,636, C>G. VCF-style: chr16-680636-C-G. GRCh37 (hg19) VCF-style: chr16-730636-C-G.
Other names: c.-195C>G (NM_001293197.2); short protein forms F37L.
Identifiers: ClinVar variation 3340853 (VCV003340853.2).

ClinVar aggregate classification (germline): Uncertain significance. Review status: criteria provided, multiple submitters, no conflicts (2 of 4 stars). 2 submissions from 2 submitters: Uncertain significance (2). Last evaluated 2025-09-03.

Submissions (2):

Labcorp Genetics (formerly Invitae), Labcorp
Classification: Uncertain significance. Last evaluated: 2025-09-03. Review status: criteria provided, single submitter. Criteria: Invitae Variant Classification Sherloc (09022015). Collection method: clinical testing. Allele origin: germline.
Comment: This sequence change replaces phenylalanine, which is neutral and non-polar, with leucine, which is neutral and non-polar, at codon 37 of the STUB1 protein (p.Phe37Leu). This variant is not present in population databases (gnomAD no frequency). This missense change has been observed in individual(s) with autosomal dominant STUB1-related conditions (PMID: 32211513). ClinVar contains an entry for this variant (Variation ID: 3340853). Invitae Evidence Modeling of protein sequence and biophysical properties (such as structural, functional, and spatial information, amino acid conservation, physicochemical variation, residue mobility, and thermodynamic stability) indicates that this missense variant is not expected to disrupt STUB1 protein function with a negative predictive value of 80%. In summary, the available evidence is currently insufficient to determine the role of this variant in disease. Therefore, it has been classified as a Variant of Uncertain Significance.

GeneDx
Classification: Uncertain significance. Last evaluated: 2024-02-26. Review status: criteria provided, single submitter. Criteria: GeneDx Variant Classification Process June 2021. Collection method: clinical testing. Allele origin: germline. Affected: yes.
Comment: Not observed at significant frequency in large population cohorts (gnomAD); In silico analysis supports that this missense variant has a deleterious effect on protein structure/function; This variant is associated with the following publications: (PMID: 32211513)

Literature cited by the submitters: PubMed 32211513 (cited by Labcorp Genetics (formerly Invitae), Labcorp).